The following is an entry in ClinVar:

ClinVar aggregate classification (germline): Uncertain significance (1 of 4 stars; one submission).

gnomAD v4.1: 1 of 1,614,232 alleles (0.000062%); highest among the groups gnomAD compares: South Asian, 0.0011%; no homozygotes.

Submission:

Laboratory for Molecular Medicine, Mass General Brigham Personalized Medicine
Classification: Uncertain significance. Last evaluated: 2016-04-26. Review status: criteria provided, single submitter. Criteria: LMM Criteria. Collection method: clinical testing. Allele origin: germline. Observed: 3 variant alleles.
Comment: The p.Met429Val variant in ILK has not been previously reported in individuals w ith cardiomyopathy and is absent from large population studies. Computational pr ediction tools and conservation analysis suggest that this variant may impact th e protein, though this information is not predictive enough to determine pathoge nicity. In summary, the clinical significance of the p.Met429Val variant is unce rtain.

NM_004517.4(ILK):c.1285A>G (p.Met429Val)

Genes: ILK (integrin linked kinase; plus strand), TAF10 (TATA-box binding protein associated factor 10; minus strand). Cytogenetic location: 11p15.4.
Variant type: single nucleotide variant.
Coding change: c.1285A>G on transcript NM_004517.4 (MANE Select); coding-DNA position 1285, A replaced by G.
Protein change: p.Met429Val; replaces methionine 429 with valine.
Molecular consequence: missense variant. On other transcripts: 3 prime UTR variant (1).
Genome position (GRCh38, 1-based): chr11:6,610,537, A>G. VCF-style: chr11-6610537-A-G. GRCh37 (hg19) VCF-style: chr11-6631768-A-G.
Other names: c.1285A>G, p.Met429Val (NM_001014794.3, NM_001014795.3); c.1102A>G, p.Met368Val (NM_001278441.2); c.883A>G, p.Met295Val (NM_001278442.2); c.*385T>C (NM_006284.4); short protein forms M429V, M368V, M295V.
Identifiers: ClinVar variation 504981 (VCV000504981.4), dbSNP rs1554900131, ClinGen allele CA379468213.